The following is an entry in ClinVar:

ClinVar aggregate classification (germline): Conflicting classifications of pathogenicity. Review status: criteria provided, conflicting classifications (1 of 4 stars). 6 submissions from 6 submitters: Uncertain significance (1); Likely benign (5). Last evaluated 2026-09-04.

Conditions:
Charcot-Marie-Tooth disease axonal type 2S. Also called: CHARCOT-MARIE-TOOTH DISEASE, AXONAL, AUTOSOMAL RECESSIVE, TYPE 2S; CHARCOT-MARIE-TOOTH NEUROPATHY, TYPE 2S. Identifiers: Orphanet 443073, MedGen C4015349, MONDO:0014511, OMIM 616155.
Autosomal recessive distal spinal muscular atrophy 1. Also called: NEURONOPATHY, DISTAL HEREDITARY MOTOR, HARDING TYPE VI; NEUROPATHY, DISTAL HEREDITARY MOTOR, AUTOSOMAL RECESSIVE 1; Spinal muscular atrophy with respiratory distress 1; NEURONOPATHY, SEVERE INFANTILE AXONAL, WITH RESPIRATORY FAILURE; SEVERE INFANTILE AXONAL NEUROPATHY WITH RESPIRATORY FAILURE; SPINAL MUSCULAR ATROPHY, DIAPHRAGMATIC. Identifiers: Orphanet 98920, MedGen C1858517, MONDO:0011436, OMIM 604320.
Charcot-Marie-Tooth disease. Also called: Charcot-Marie-Tooth Hereditary Neuropathy; Charcot-Marie-Tooth Neuropathy. Identifiers: Orphanet 166, MedGen C0007959, MONDO:0015626.
IGHMBP2-related disorder. Also called: IGHMBP2-related disorders; IGHMBP2-related condition.
Inborn genetic diseases. Identifiers: MedGen C0950123, MeSH D030342.

Allele frequency attached by ClinVar (database versions not stated): gnomAD exomes 0.00006 and 0.00007; ExAC 0.00008; ESP Exome Variant Server 0.00015; 1000 Genomes Project 0.00020; TOPMed 0.00024; gnomAD 0.00025 and 0.00029; 1000 Genomes Project 30x 0.00031.
gnomAD v4.1: 132 of 1,613,904 alleles (0.0082%); highest among the groups gnomAD compares: African/African-American, 0.083%; no homozygotes.

Submissions (6):

PreventionGenetics, part of Exact Sciences
Classification: Likely benign for IGHMBP2-related condition. Last evaluated: 2026-09-04. Review status: criteria provided, single submitter. Criteria: ACMG Guidelines, 2015. Collection method: clinical testing. Allele origin: germline.
Comment: This variant is classified as likely benign based on ACMG/AMP sequence variant interpretation guidelines (Richards et al. 2015 PMID: 25741868, with internal and published modifications).

Labcorp Genetics (formerly Invitae), Labcorp
Classification: Likely benign for Autosomal recessive distal spinal muscular atrophy 1; Charcot-Marie-Tooth disease axonal type 2S. Last evaluated: 2026-01-27. Review status: criteria provided, single submitter. Criteria: Invitae Variant Classification Sherloc (09022015). Collection method: clinical testing. Allele origin: germline.

GeneDx
Classification: Likely benign. Last evaluated: 2020-11-16. Review status: criteria provided, single submitter. Criteria: GeneDx Variant Classification Process June 2021. Collection method: clinical testing. Allele origin: germline. Affected: yes.

Ambry Genetics
Classification: Likely benign for Inborn genetic diseases. Last evaluated: 2019-07-11. Review status: criteria provided, single submitter. Criteria: Ambry Variant Classification Scheme 2023. Collection method: clinical testing. Allele origin: germline.

Illumina Laboratory Services, Illumina
Classification: Uncertain significance for Autosomal recessive distal spinal muscular atrophy 1. Last evaluated: 2018-01-12. Review status: criteria provided, single submitter. Criteria: ICSL Variant Classification Criteria 13 December 2019. Collection method: clinical testing. Allele origin: germline.

Molecular Genetics Laboratory, London Health Sciences Centre
Classification: Likely benign for Charcot-Marie-Tooth disease. Review status: criteria provided, single submitter. Criteria: ACMG Guidelines, 2015. Collection method: clinical testing. Allele origin: germline. Affected: yes.

NM_002180.3(IGHMBP2):c.1125C>T (p.Asp375=)

Gene: IGHMBP2 (immunoglobulin mu DNA binding protein 2; plus strand). Cytogenetic location: 11q13.3.
Variant type: single nucleotide variant.
Coding change: c.1125C>T on transcript NM_002180.3 (MANE Select); coding-DNA position 1125, C replaced by T.
Protein change: p.Asp375=; no amino-acid change (aspartic acid 375 retained).
Molecular consequence: synonymous variant.
Genome position (GRCh38, 1-based): chr11:68,929,247, C>T. VCF-style: chr11-68929247-C-T. GRCh37 (hg19) VCF-style: chr11-68696715-C-T.
Identifiers: ClinVar variation 305842 (VCV000305842.21), dbSNP rs140296831, ClinGen allele CA6153528.
Genomic context (GRCh38, chr11:68,929,247, plus strand): 5'-GTCTGCCGATGGCCCCCTGAAGTTGCTGCCCGAGAGCTACTTCGACGTGGTGGTCATTGA[C>T]GAGTGTGCCCAGGCCCTCGAGGCGAGCTGCTGGATCCCCCTGCTGAAGGCCAGAAAGTGC-3'
Protein context (NP_002171.2, residues 365-385): PESYFDVVVI[Asp375=]ECAQALEASC